The following is an entry in ClinVar:

NM_006186.4(NR4A2):c.174dup (p.Ser59fs)

Gene: NR4A2 (nuclear receptor subfamily 4 group A member 2; minus strand). Cytogenetic location: 2q24.1.
Variant type: Duplication.
Coding change: c.174dup on transcript NM_006186.4 (MANE Select); coding-DNA position 174, one base duplicated (C; older notation c.174dupC).
Protein change: p.Ser59fs; shifts the reading frame from serine 59.
Molecular consequence: frameshift variant. On other transcripts: intron variant (1).
Genome position (GRCh38, 1-based): chr2:156,330,013, G duplicated on the plus strand (C on the coding strand, the reverse complement: NR4A2 is on the minus strand); the first of 4 consecutive G bases (chr2:156,330,013-156,330,016); duplicating any one gives the same sequence. VCF-style (leftmost placement, unchanged base first): chr2-156330012-T-TG. GRCh37 (hg19) VCF-style: chr2-157186524-T-TG.
Other names: c.-13-3dup (NM_173173.3); short protein forms S59fs.
Identifiers: ClinVar variation 3342357 (VCV003342357.1).

ClinVar aggregate classification (germline): Pathogenic (1 of 4 stars; one submission).

Submission:

GeneDx
Classification: Pathogenic. Last evaluated: 2022-01-12. Review status: criteria provided, single submitter. Criteria: GeneDx Variant Classification Process June 2021. Collection method: clinical testing. Allele origin: germline. Affected: yes.
Comment: Frameshift variant predicted to result in protein truncation or nonsense mediated decay in a gene for which loss-of-function is a known mechanism of disease; Not observed at significant frequency in large population cohorts (gnomAD); Has not been previously published as pathogenic or benign to our knowledge